The following is an entry in ClinVar:

NM_000038.6(APC):c.385G>T (p.Glu129Ter)

Gene: APC (APC regulator of Wnt signaling pathway; plus strand). Cytogenetic location: 5q22.2.
Variant type: single nucleotide variant.
Coding change: c.385G>T on transcript NM_000038.6 (MANE Select); coding-DNA position 385, G replaced by T.
Protein change: p.Glu129Ter; replaces glutamic acid 129 with a stop codon.
Molecular consequence: nonsense. On other transcripts: 5 prime UTR variant (4), non-coding transcript variant (2).
Genome position (GRCh38, 1-based): chr5:112,767,353, G>T. VCF-style: chr5-112767353-G-T. GRCh37 (hg19) VCF-style: chr5-112103050-G-T.
Other names: c.385G>T, p.Glu129Ter (NM_001127510.3, NM_001354895.2, NM_001354896.2 and 16 more transcripts); c.415G>T, p.Glu139Ter (NM_001127511.3, NM_001354897.2, NM_001354902.2 and 1 more transcripts); c.310G>T, p.Glu104Ter (NM_001354898.2, NM_001354904.2, NM_001407451.1); c.208G>T, p.Glu70Ter (NM_001354900.2, NM_001354901.2, NM_001354905.2 and 1 more transcripts); c.-651G>T (NM_001354906.2, NM_001407470.1, NM_001407471.1 and 1 more transcripts); c.385G>T (NM_000038.5); short protein forms E104*, E129*, E139*, E70*.
Identifiers: ClinVar variation 2583973 (VCV002583973.2), dbSNP rs376628500, ClinGen allele CA16022160.

ClinVar aggregate classification (germline): Pathogenic. Review status: criteria provided, multiple submitters, no conflicts (2 of 4 stars). 2 submissions from 2 submitters: Pathogenic (2). Last evaluated 2026-03-27.

Conditions:
Hereditary cancer-predisposing syndrome. Also called: Neoplastic Syndromes, Hereditary; Tumor predisposition; Hereditary Cancer Syndrome; Hereditary neoplastic syndrome. Identifiers: Orphanet 140162, MedGen C0027672, MeSH D009386, MONDO:0015356.
Familial adenomatous polyposis 1 (FAP1). Also called: FAMILIAL ADENOMATOUS POLYPOSIS 1, ATTENUATED; POLYPOSIS, ADENOMATOUS INTESTINAL. Identifiers: MedGen C2713442, MONDO:0021056, OMIM 175100. Disease mechanism: loss of function.

Submissions (2):

Ambry Genetics
Classification: Pathogenic for Hereditary cancer-predisposing syndrome. Last evaluated: 2026-03-27. Review status: criteria provided, single submitter. Criteria: Ambry Variant Classification Scheme 2023. Collection method: clinical testing. Allele origin: germline.
Comment: The p.E129* pathogenic mutation (also known as c.385G>T), located in coding exon 3 of the APC gene, results from a G to T substitution at nucleotide position 385. This changes the amino acid from a glutamic acid to a stop codon within coding exon 3. This variant is considered to be rare based on population cohorts in the Genome Aggregation Database (gnomAD). This alteration is expected to result in loss of function by premature protein truncation or nonsense-mediated mRNA decay. As such, this alteration is interpreted as a disease-causing mutation.

Myriad Genetics, Inc.
Classification: Pathogenic for Familial adenomatous polyposis 1. Last evaluated: 2023-04-25. Review status: criteria provided, single submitter. Criteria: Myriad Autosomal Dominant, Autosomal Recessive and X-Linked Classification Criteria (2023). Collection method: clinical testing. Allele origin: unknown.
Comment: This variant is considered pathogenic. This variant creates a termination codon and is predicted to result in premature protein truncation.